The following is an entry in ClinVar:

NM_001271.4(CHD2):c.3278G>A (p.Arg1093Lys)

Gene: CHD2 (chromodomain helicase DNA binding protein 2; plus strand). Cytogenetic location: 15q26.1.
Variant type: single nucleotide variant.
Coding change: c.3278G>A on transcript NM_001271.4 (MANE Select); coding-DNA position 3278, G replaced by A.
Protein change: p.Arg1093Lys; replaces arginine 1093 with lysine.
Molecular consequence: missense variant.
Genome position (GRCh38, 1-based): chr15:92,985,538, G>A. VCF-style: chr15-92985538-G-A. GRCh37 (hg19) VCF-style: chr15-93528768-G-A.
Other names: short protein forms R1093K.
Identifiers: ClinVar variation 1408442 (VCV001408442.6), dbSNP rs2054031377, ClinGen allele CA393895563.

ClinVar aggregate classification (germline): Uncertain significance (1 of 4 stars; one submission).

Conditions:
Developmental and epileptic encephalopathy 94 (DEE94). Also called: Epileptic encephalopathy, childhood-onset; CHD2-Related Neurodevelopmental Disorders. Identifiers: Orphanet 1942, Orphanet 2382, MedGen C3809278, MONDO:0014150, OMIM 615369.

Allele frequency attached by ClinVar (database versions not stated): TOPMed below 0.00001.

Submission:

Labcorp Genetics (formerly Invitae), Labcorp
Classification: Uncertain significance for Developmental and epileptic encephalopathy 94. Last evaluated: 2021-07-31. Review status: criteria provided, single submitter. Criteria: Invitae Variant Classification Sherloc (09022015). Collection method: clinical testing. Allele origin: germline.
Comment: This sequence change replaces arginine with lysine at codon 1093 of the CHD2 protein (p.Arg1093Lys). The arginine residue is highly conserved and there is a small physicochemical difference between arginine and lysine. This variant is not present in population databases (ExAC no frequency). This variant has not been reported in the literature in individuals affected with CHD2-related conditions. Advanced modeling of protein sequence and biophysical properties (such as structural, functional, and spatial information, amino acid conservation, physicochemical variation, residue mobility, and thermodynamic stability) performed at Invitae indicates that this missense variant is not expected to disrupt CHD2 protein function. In summary, the available evidence is currently insufficient to determine the role of this variant in disease. Therefore, it has been classified as a Variant of Uncertain Significance.